The following is an entry in ClinVar:

ClinVar aggregate classification (germline): Uncertain significance (1 of 4 stars; one submission).

Conditions:
Hereditary cancer-predisposing syndrome. Also called: Neoplastic Syndromes, Hereditary; Tumor predisposition; Hereditary neoplastic syndrome; Hereditary Cancer Syndrome. Identifiers: Orphanet 140162, MedGen C0027672, MeSH D009386, MONDO:0015356.

Submission:

Ambry Genetics
Classification: Uncertain significance for Hereditary cancer-predisposing syndrome. Last evaluated: 2026-07-06. Review status: criteria provided, single submitter. Criteria: Ambry Variant Classification Scheme 2023. Collection method: clinical testing. Allele origin: germline.
Comment: The p.A2354P variant (also known as c.7060G>C), located in coding exon 15 of the APC gene, results from a G to C substitution at nucleotide position 7060. The alanine at codon 2354 is replaced by proline, an amino acid with highly similar properties. This amino acid position is conserved. In addition, in silico predictors for this gene do not accurately predict pathogenicity. Based on the available evidence, the clinical significance of this variant remains unclear.

NM_000038.6(APC):c.7060G>C (p.Ala2354Pro)

Gene: APC (APC regulator of Wnt signaling pathway; plus strand). Cytogenetic location: 5q22.2.
Variant type: single nucleotide variant.
Coding change: c.7060G>C on transcript NM_000038.6 (MANE Select); coding-DNA position 7060, G replaced by C.
Protein change: p.Ala2354Pro; replaces alanine 2354 with proline.
Molecular consequence: missense variant. On other transcripts: non-coding transcript variant (2).
Genome position (GRCh38, 1-based): chr5:112,842,654, G>C. VCF-style: chr5-112842654-G-C. GRCh37 (hg19) VCF-style: chr5-112178351-G-C.
Other names: c.7060G>C, p.Ala2354Pro (NM_001354895.2, NM_001407450.1, NM_001127510.3); c.7114G>C, p.Ala2372Pro (NM_001354896.2, NM_001407447.1, NM_001407448.1 and 1 more transcripts); c.7090G>C, p.Ala2364Pro (NM_001354897.2); c.6985G>C, p.Ala2329Pro (NM_001354898.2); c.6976G>C, p.Ala2326Pro (NM_001354899.2); c.6937G>C, p.Ala2313Pro (NM_001354900.2); c.6883G>C, p.Ala2295Pro (NM_001354901.2, NM_001407453.1); c.6787G>C, p.Ala2263Pro (NM_001354902.2); and 11 more; short protein forms A2228P, A2263P, A1970P, A2071P, A2225P, A2313P, A2347P, A2194P.
Identifiers: ClinVar variation 5024982 (VCV005024982.1).
Genomic context (GRCh38, chr5:112,842,654, plus strand): 5'-AATGGAATAAGTCCTCCTAACAAATTATCTCAACTTCCAAGGACATCATCCCCTAGTACT[G>C]CTTCAACTAAGTCCTCAGGTTCTGGAAAAATGTCATATACATCTCCAGGTAGACAGATGA-3'
Protein context (NP_000029.2, residues 2344-2364): QLPRTSSPST[Ala2354Pro]STKSSGSGKM